The following is an entry in ClinVar:

NM_000217.3(KCNA1):c.*406C>T

Gene: KCNA1 (potassium voltage-gated channel subfamily A member 1; plus strand). Cytogenetic location: 12p13.32.
Variant type: single nucleotide variant.
Coding change: c.*406C>T on transcript NM_000217.3 (MANE Select); 406 bases downstream of the stop codon, C replaced by T.
Molecular consequence: 3 prime UTR variant.
Genome position (GRCh38, 1-based): chr12:4,913,272, C>T. VCF-style: chr12-4913272-C-T. GRCh37 (hg19) VCF-style: chr12-5022438-C-T.
Identifiers: ClinVar variation 309154 (VCV000309154.9), dbSNP rs4766311, ClinGen allele CA10637695.

ClinVar aggregate classification (germline): Benign. Review status: criteria provided, multiple submitters, no conflicts (2 of 4 stars). 3 submissions from 3 submitters: Benign (3). Last evaluated 2021-05-12.

Conditions:
Episodic ataxia type 1 (EA1). Also called: ATAXIA, EPISODIC, WITH MYOKYMIA; MYOKYMIA WITH PERIODIC ATAXIA; PAROXYSMAL ATAXIA WITH NEUROMYOTONIA, HEREDITARY; Episodic ataxia/myokymia syndrome. Identifiers: Orphanet 37612, Orphanet 972, MedGen C1719788, MONDO:0008047, OMIM 160120.

Allele frequency attached by ClinVar (database versions not stated): gnomAD exomes 0.44886; 1000 Genomes Project 30x 0.49906; 1000 Genomes Project 0.50040; gnomAD 0.48547 and 0.48569; TOPMed 0.49281.
gnomAD v4.1: 126,309 of 268,744 alleles (47%); highest among the groups gnomAD compares: Middle Eastern, 57%; 30,292 homozygotes.

Submissions (3):

GeneDx
Classification: Benign. Last evaluated: 2021-05-12. Review status: criteria provided, single submitter. Criteria: GeneDx Variant Classification Process June 2021. Collection method: clinical testing. Allele origin: germline. Affected: yes.

Illumina Laboratory Services, Illumina
Classification: Benign for Episodic ataxia type 1. Last evaluated: 2018-01-13. Review status: criteria provided, single submitter. Criteria: ICSL Variant Classification Criteria 13 December 2019. Collection method: clinical testing. Allele origin: germline.
Comment: This variant was observed in the ICSL laboratory as part of a predisposition screen in an ostensibly healthy population. It had not been previously curated by ICSL or reported in the Human Gene Mutation Database (HGMD: prior to June 1st, 2018), and was therefore a candidate for classification through an automated scoring system. Utilizing variant allele frequency, disease prevalence and penetrance estimates, and inheritance mode, an automated score was calculated to assess if this variant is too frequent to cause the disease. Based on the score and internal cut-off values, a variant classified as benign is not then subjected to further curation. The score for this variant resulted in a classification of benign for this disease.

Breakthrough Genomics
Classification: Benign. Review status: criteria provided, single submitter. Criteria: ACMG Guidelines, 2015. Collection method: not provided. Allele origin: germline. Inheritance: Autosomal dominant inheritance. Affected: yes.